The following is an entry in ClinVar:

ClinVar aggregate classification (germline): Pathogenic (1 of 4 stars; one submission).

Conditions:
ERCC2-related disorder. Also called: ERCC2-related conditions; ERCC2-related condition; ERCC2-related disorders. Identifiers: MedGen CN239291.

Submission:

Myriad Genetics, Inc.
Classification: Pathogenic for ERCC2-related disorder. Last evaluated: 2026-01-29. Review status: criteria provided, single submitter. Criteria: Myriad Autosomal Dominant, Autosomal Recessive and X-Linked Classification Criteria (2023). Collection method: clinical testing. Allele origin: unknown.
Comment: NM_000400.3(ERCC2):c.1806dupC(K603Qfs*46) is expected to be pathogenic in the context of ERCC2-related disorders. This variant is predicted to lead to an abnormal or absent protein product due to the creation of a premature termination codon in ERCC2, a gene where loss-of-function variants are known to be pathogenic. Please note: this variant was assessed in the context of healthy population screening.

NM_000400.4(ERCC2):c.1806dup (p.Lys603fs)

Gene: ERCC2 (ERCC excision repair 2, TFIIH core complex helicase subunit; minus strand). Cytogenetic location: 19q13.32.
Variant type: Duplication.
Coding change: c.1806dup on transcript NM_000400.4 (MANE Select); coding-DNA position 1806, one base duplicated (C; older notation c.1806dupC).
Protein change: p.Lys603fs; shifts the reading frame from lysine 603.
Molecular consequence: frameshift variant. On other transcripts: non-coding transcript variant (3).
Genome position (GRCh38, 1-based): chr19:45,353,108, G duplicated on the plus strand (C on the coding strand, the reverse complement: ERCC2 is on the minus strand). VCF-style (leftmost placement, unchanged base first): chr19-45353107-T-TG. GRCh37 (hg19) VCF-style: chr19-45856365-T-TG.
Other names: c.1734dup, p.Lys579fs (NM_001440355.1); c.1728dup, p.Lys577fs (NM_001440356.1); c.1683dup, p.Lys562fs (NM_001440357.1); short protein forms K562fs, K577fs, K579fs, K603fs.
Identifiers: ClinVar variation 5015499 (VCV005015499.1).